The following is an entry in ClinVar:

ClinVar aggregate classification (germline): Uncertain significance (1 of 4 stars; one submission).

Conditions:
Autosomal recessive distal spinal muscular atrophy 1. Also called: NEURONOPATHY, SEVERE INFANTILE AXONAL, WITH RESPIRATORY FAILURE; SEVERE INFANTILE AXONAL NEUROPATHY WITH RESPIRATORY FAILURE; SPINAL MUSCULAR ATROPHY, DIAPHRAGMATIC; NEURONOPATHY, DISTAL HEREDITARY MOTOR, HARDING TYPE VI; NEUROPATHY, DISTAL HEREDITARY MOTOR, AUTOSOMAL RECESSIVE 1; Spinal muscular atrophy with respiratory distress 1. Identifiers: Orphanet 98920, MedGen C1858517, MONDO:0011436, OMIM 604320.
Charcot-Marie-Tooth disease axonal type 2S. Also called: CHARCOT-MARIE-TOOTH NEUROPATHY, TYPE 2S; CHARCOT-MARIE-TOOTH DISEASE, AXONAL, AUTOSOMAL RECESSIVE, TYPE 2S. Identifiers: Orphanet 443073, MedGen C4015349, MONDO:0014511, OMIM 616155.

Allele frequency attached by ClinVar (database versions not stated): TOPMed below 0.00001.

Submission:

Labcorp Genetics (formerly Invitae), Labcorp
Classification: Uncertain significance for Autosomal recessive distal spinal muscular atrophy 1; Charcot-Marie-Tooth disease axonal type 2S. Last evaluated: 2020-12-10. Review status: criteria provided, single submitter. Criteria: Invitae Variant Classification Sherloc (09022015). Collection method: clinical testing. Allele origin: germline.
Comment: In summary, the available evidence is currently insufficient to determine the role of this variant in disease. Therefore, it has been classified as a Variant of Uncertain Significance. Advanced modeling of protein sequence and biophysical properties (such as structural, functional, and spatial information, amino acid conservation, physicochemical variation, residue mobility, and thermodynamic stability) performed at Invitae indicates that this missense variant is not expected to disrupt IGHMBP2 protein function. This variant has not been reported in the literature in individuals with IGHMBP2-related conditions. This variant is not present in population databases (ExAC no frequency). This sequence change replaces glutamine with histidine at codon 111 of the IGHMBP2 protein (p.Gln111His). The glutamine residue is moderately conserved and there is a small physicochemical difference between glutamine and histidine.

NM_002180.3(IGHMBP2):c.333G>T (p.Gln111His)

Gene: IGHMBP2 (immunoglobulin mu DNA binding protein 2; plus strand). Cytogenetic location: 11q13.3.
Variant type: single nucleotide variant.
Coding change: c.333G>T on transcript NM_002180.3 (MANE Select); coding-DNA position 333, G replaced by T.
Protein change: p.Gln111His; replaces glutamine 111 with histidine.
Molecular consequence: missense variant.
Genome position (GRCh38, 1-based): chr11:68,908,221, G>T. VCF-style: chr11-68908221-G-T. GRCh37 (hg19) VCF-style: chr11-68675689-G-T.
Other names: short protein forms Q111H.
Identifiers: ClinVar variation 1416926 (VCV001416926.8), dbSNP rs1858279805, ClinGen allele CA381643154.